The following is an entry in ClinVar:

NM_001849.4(COL6A2):c.2462-2255C>T

Gene: COL6A2 (collagen type VI alpha 2 chain; plus strand). Cytogenetic location: 21q22.3.
Variant type: single nucleotide variant.
Coding change: c.2462-2255C>T on transcript NM_001849.4 (MANE Select); 2255 bases into the intron before coding-DNA position 2462, C replaced by T.
Molecular consequence: intron variant. On other transcripts: 3 prime UTR variant (2).
Genome position (GRCh38, 1-based): chr21:46,129,699, C>T. VCF-style: chr21-46129699-C-T. GRCh37 (hg19) VCF-style: chr21-47549613-C-T.
Other names: c.*208C>T (NM_058174.3); c.*771C>T (NM_058175.3).
Identifiers: ClinVar variation 679219 (VCV000679219.2), dbSNP rs3088026, ClinGen allele CA321977726.
Genomic context (GRCh38, chr21:46,129,699, plus strand): 5'-TCCCAGCCTCTTCCCATGCTGGTGGCCACCGTGTCCCTTGCTGCGGCTGCATCTTCCAGT[C>T]TCTCCTCCGTCTTCCTGTGGCCGCTCTCTTTATAAGAACCCTGGTCATTGAATTTAAGGC-3'

ClinVar aggregate classification (germline): Benign. Review status: criteria provided, multiple submitters, no conflicts (2 of 4 stars). 2 submissions from 2 submitters: Benign (2). Last evaluated 2018-06-18.

Allele frequency attached by ClinVar (database versions not stated): 1000 Genomes Project 0.06969; 1000 Genomes Project 30x 0.07245; gnomAD 0.08233 and 0.08440; gnomAD exomes 0.08464; TOPMed 0.08513.
gnomAD v4.1: 119,281 of 1,414,880 alleles (8.4%); highest among the groups gnomAD compares: African/African-American, 8.8%; 5,225 homozygotes.

Submissions (2):

GeneDx
Classification: Benign. Last evaluated: 2018-06-18. Review status: criteria provided, single submitter. Criteria: GeneDx Variant Classification (06012015). Collection method: clinical testing. Allele origin: germline. Affected: yes.
Comment: This variant is considered likely benign or benign based on one or more of the following criteria: it is a conservative change, it occurs at a poorly conserved position in the protein, it is predicted to be benign by multiple in silico algorithms, and/or has population frequency not consistent with disease.

Breakthrough Genomics
Classification: Benign. Review status: criteria provided, single submitter. Criteria: ACMG Guidelines, 2015. Collection method: not provided. Allele origin: germline. Inheritance: Autosomal recessive inheritance. Affected: yes.